The following is an entry in ClinVar:

ClinVar aggregate classification (germline): Uncertain significance. Review status: criteria provided, multiple submitters, no conflicts (2 of 4 stars). 3 submissions from 3 submitters: Uncertain significance (3). Last evaluated 2025-05-15.

Conditions:
Inborn genetic diseases. Identifiers: MedGen C0950123, MeSH D030342.
Myopathy, lactic acidosis, and sideroblastic anemia 1 (MLASA1). Identifiers: Orphanet 2598, MedGen C4551958, MONDO:0024553, OMIM 600462.

Allele frequency attached by ClinVar (database versions not stated): ExAC 0.00002; gnomAD exomes 0.00002 and 0.00010; TOPMed 0.00005; gnomAD 0.00006 and 0.00007; ESP Exome Variant Server 0.00008.
gnomAD v4.1: 138 of 1,426,928 alleles (0.0097%); highest among the groups gnomAD compares: Non-Finnish European, 0.011%; no homozygotes.

Submissions (3):

Ambry Genetics
Classification: Uncertain significance for Inborn genetic diseases. Last evaluated: 2025-05-15. Review status: criteria provided, single submitter. Criteria: Ambry Variant Classification Scheme 2023. Collection method: clinical testing. Allele origin: germline.

Labcorp Genetics (formerly Invitae), Labcorp
Classification: Uncertain significance. Last evaluated: 2022-08-29. Review status: criteria provided, single submitter. Criteria: Invitae Variant Classification Sherloc (09022015). Collection method: clinical testing. Allele origin: germline.
Comment: This sequence change replaces glycine, which is neutral and non-polar, with aspartic acid, which is acidic and polar, at codon 96 of the PUS1 protein (p.Gly96Asp). The frequency data for this variant in the population databases is considered unreliable, as metrics indicate poor data quality at this position in the gnomAD database. This variant has not been reported in the literature in individuals affected with PUS1-related conditions. ClinVar contains an entry for this variant (Variation ID: 882304). Algorithms developed to predict the effect of missense changes on protein structure and function are either unavailable or do not agree on the potential impact of this missense change (SIFT: "Tolerated"; PolyPhen-2: "Probably Damaging"; Align-GVGD: "Class C0"). In summary, the available evidence is currently insufficient to determine the role of this variant in disease. Therefore, it has been classified as a Variant of Uncertain Significance.

Illumina Laboratory Services, Illumina
Classification: Uncertain significance for Myopathy, lactic acidosis, and sideroblastic anemia 1. Last evaluated: 2018-01-12. Review status: criteria provided, single submitter. Criteria: ICSL Variant Classification Criteria 13 December 2019. Collection method: clinical testing. Allele origin: germline.

NM_025215.6(PUS1):c.287G>A (p.Gly96Asp)

Gene: PUS1 (pseudouridine synthase 1; plus strand). Cytogenetic location: 12q24.33.
Variant type: single nucleotide variant.
Coding change: c.287G>A on transcript NM_025215.6 (MANE Select); coding-DNA position 287, G replaced by A.
Protein change: p.Gly96Asp; replaces glycine 96 with aspartic acid.
Molecular consequence: missense variant.
Genome position (GRCh38, 1-based): chr12:131,930,119, G>A. VCF-style: chr12-131930119-G-A. GRCh37 (hg19) VCF-style: chr12-132414664-G-A.
Other names: c.203G>A, p.Gly68Asp (NM_001002019.3, NM_001002020.3); short protein forms G68D, G96D.
Identifiers: ClinVar variation 882304 (VCV000882304.6), dbSNP rs143828069, ClinGen allele CA6884049.